The following is an entry in ClinVar:

ClinVar aggregate classification (germline): Uncertain significance (1 of 4 stars; one submission).

Conditions:
Epilepsy, familial adult myoclonic, 5 (EPEO5). Also called: CORTICAL MYOCLONIC TREMOR WITH EPILEPSY, FAMILIAL, 5. Identifiers: Orphanet 86814, MedGen C3809374, MONDO:0014167, OMIM 615400.

gnomAD v4.1: 2 of 1,610,912 alleles (0.00012%); highest among the groups gnomAD compares: Non-Finnish European, 0.00017%; no homozygotes.

Submission:

Labcorp Genetics (formerly Invitae), Labcorp
Classification: Uncertain significance for Epilepsy, familial adult myoclonic, 5. Last evaluated: 2022-05-07. Review status: criteria provided, single submitter. Criteria: Invitae Variant Classification Sherloc (09022015). Collection method: clinical testing. Allele origin: germline.
Comment: This variant has not been reported in the literature in individuals affected with CNTN2-related conditions. In summary, the available evidence is currently insufficient to determine the role of this variant in disease. Therefore, it has been classified as a Variant of Uncertain Significance. Advanced modeling of protein sequence and biophysical properties (such as structural, functional, and spatial information, amino acid conservation, physicochemical variation, residue mobility, and thermodynamic stability) performed at Invitae indicates that this missense variant is not expected to disrupt CNTN2 protein function. This variant is not present in population databases (gnomAD no frequency). This sequence change replaces isoleucine, which is neutral and non-polar, with valine, which is neutral and non-polar, at codon 663 of the CNTN2 protein (p.Ile663Val).

NM_005076.5(CNTN2):c.1987A>G (p.Ile663Val)

Gene: CNTN2 (contactin 2; plus strand). Cytogenetic location: 1q32.1.
Variant type: single nucleotide variant.
Coding change: c.1987A>G on transcript NM_005076.5 (MANE Select); coding-DNA position 1987, A replaced by G.
Protein change: p.Ile663Val; replaces isoleucine 663 with valine.
Molecular consequence: missense variant. On other transcripts: non-coding transcript variant (1).
Genome position (GRCh38, 1-based): chr1:205,067,112, A>G. VCF-style: chr1-205067112-A-G. GRCh37 (hg19) VCF-style: chr1-205036240-A-G.
Other names: c.1987A>G, p.Ile663Val (NM_001346083.2); short protein forms I663V.
Identifiers: ClinVar variation 2131379 (VCV002131379.4), dbSNP rs986253044, ClinGen allele CA36373300.